The following is an entry in ClinVar:

NM_001458.5(FLNC):c.5874T>A (p.Asn1958Lys)

Genes: FLNC (filamin C; plus strand), FLNC-AS1 (FLNC antisense RNA 1; minus strand). Cytogenetic location: 7q32.1.
Variant type: single nucleotide variant.
Coding change: c.5874T>A on transcript NM_001458.5 (MANE Select); coding-DNA position 5874, T replaced by A.
Protein change: p.Asn1958Lys; replaces asparagine 1958 with lysine.
Molecular consequence: missense variant.
Genome position (GRCh38, 1-based): chr7:128,852,622, T>A. VCF-style: chr7-128852622-T-A. GRCh37 (hg19) VCF-style: chr7-128492676-T-A.
Other names: c.5775T>A, p.Asn1925Lys (NM_001127487.2); short protein forms N1925K, N1958K.
Identifiers: ClinVar variation 3756881 (VCV003756881.2).

ClinVar aggregate classification (germline): Uncertain significance (1 of 4 stars; one submission).

Conditions:
Distal myopathy with posterior leg and anterior hand involvement. Also called: WILLIAMS DISTAL MYOPATHY. Identifiers: Orphanet 63273, MedGen C3279722, MONDO:0013550, OMIM 614065.
Hypertrophic cardiomyopathy 26. Also called: Cardiomyopathy, familial hypertrophic, 26. Identifiers: Orphanet 75249, MedGen C4310749, MONDO:0014883, OMIM 617047.
Myofibrillar myopathy 5. Also called: Filaminopathy (type); FILAMINOPATHY, AUTOSOMAL DOMINANT. Identifiers: Orphanet 171445, MedGen C1836050, MONDO:0012289, OMIM 609524.

Submission:

Labcorp Genetics (formerly Invitae), Labcorp
Classification: Uncertain significance for Distal myopathy with posterior leg and anterior hand involvement; Myofibrillar myopathy 5; Hypertrophic cardiomyopathy 26. Last evaluated: 2024-06-19. Review status: criteria provided, single submitter. Criteria: Invitae Variant Classification Sherloc (09022015). Collection method: clinical testing. Allele origin: germline.
Comment: This sequence change replaces asparagine, which is neutral and polar, with lysine, which is basic and polar, at codon 1958 of the FLNC protein (p.Asn1958Lys). This variant is not present in population databases (gnomAD no frequency). This variant has not been reported in the literature in individuals affected with FLNC-related conditions. Advanced modeling of protein sequence and biophysical properties (such as structural, functional, and spatial information, amino acid conservation, physicochemical variation, residue mobility, and thermodynamic stability) has been performed at Invitae for this missense variant, however the output from this modeling did not meet the statistical confidence thresholds required to predict the impact of this variant on FLNC protein function. In summary, the available evidence is currently insufficient to determine the role of this variant in disease. Therefore, it has been classified as a Variant of Uncertain Significance.